The following is an entry in ClinVar:

ClinVar aggregate classification (germline): Uncertain significance (1 of 4 stars; one submission).

Conditions:
Hereditary cancer-predisposing syndrome. Also called: Neoplastic Syndromes, Hereditary; Tumor predisposition; Hereditary Cancer Syndrome; Hereditary neoplastic syndrome. Identifiers: Orphanet 140162, MedGen C0027672, MeSH D009386, MONDO:0015356.

Submission:

Ambry Genetics
Classification: Uncertain significance for Hereditary cancer-predisposing syndrome. Last evaluated: 2025-03-27. Review status: criteria provided, single submitter. Criteria: Ambry Variant Classification Scheme 2023. Collection method: clinical testing. Allele origin: germline.
Comment: The p.T114S variant (also known as c.340A>T), located in coding exon 3 of the NF2 gene, results from an A to T substitution at nucleotide position 340. The threonine at codon 114 is replaced by serine, an amino acid with similar properties. This amino acid position is highly conserved in available vertebrate species. In addition, the in silico prediction for this alteration is inconclusive. Based on the available evidence, the clinical significance of this variant remains unclear.

NM_000268.4(NF2):c.340A>T (p.Thr114Ser)

Gene: NF2 (NF2, moesin-ezrin-radixin like (MERLIN) tumor suppressor; plus strand). Cytogenetic location: 22q12.2.
Variant type: single nucleotide variant.
Coding change: c.340A>T on transcript NM_000268.4 (MANE Select); coding-DNA position 340, A replaced by T.
Protein change: p.Thr114Ser; replaces threonine 114 with serine.
Molecular consequence: missense variant. On other transcripts: non-coding transcript variant (1), intron variant (3).
Genome position (GRCh38, 1-based): chr22:29,639,189, A>T. VCF-style: chr22-29639189-A-T. GRCh37 (hg19) VCF-style: chr22-30035178-A-T.
Other names: c.226A>T, p.Thr76Ser (NM_001407053.1, NM_001407056.1); c.214A>T, p.Thr72Ser (NM_001407055.1, NM_181828.3); c.340A>T, p.Thr114Ser (NM_001407057.1, NM_001407059.1, NM_001407060.1 and 5 more transcripts); c.-301A>T (NM_001407065.1); c.109A>T, p.Thr37Ser (NM_001407067.1); c.240+2313A>T (NM_181829.3); c.115-3013A>T (NM_181830.3, NM_181831.3); short protein forms T76S, T72S, T114S, T37S.
Identifiers: ClinVar variation 1731155 (VCV001731155.3), dbSNP rs2146872608, ClinGen allele CA411153348.